The following is an entry in ClinVar:

NM_006445.4(PRPF8):c.1712C>G (p.Ala571Gly)

Gene: PRPF8 (pre-mRNA processing factor 8; minus strand). Cytogenetic location: 17p13.3.
Variant type: single nucleotide variant.
Coding change: c.1712C>G on transcript NM_006445.4 (MANE Select); coding-DNA position 1712, C replaced by G.
Protein change: p.Ala571Gly; replaces alanine 571 with glycine.
Molecular consequence: missense variant.
Genome position (GRCh38, 1-based): chr17:1,678,769, G>C on the plus strand (C>G on the coding strand, the complement: PRPF8 is on the minus strand). VCF-style: chr17-1678769-G-C. GRCh37 (hg19) VCF-style: chr17-1582063-G-C.
Other names: short protein forms A571G.
Identifiers: ClinVar variation 1520663 (VCV001520663.6), dbSNP rs1912748763, ClinGen allele CA397559021.

ClinVar aggregate classification (germline): Uncertain significance (1 of 4 stars; one submission).

Allele frequency attached by ClinVar (database versions not stated): gnomAD exomes below 0.00001; gnomAD 0.00001; TOPMed 0.00001.
gnomAD v4.1: 2 of 1,613,848 alleles (0.00012%); highest among the groups gnomAD compares: African/African-American, 0.0027%; no homozygotes.

Submission:

Labcorp Genetics (formerly Invitae), Labcorp
Classification: Uncertain significance. Last evaluated: 2021-09-21. Review status: criteria provided, single submitter. Criteria: Invitae Variant Classification Sherloc (09022015). Collection method: clinical testing. Allele origin: germline.
Comment: This sequence change replaces alanine with glycine at codon 571 of the PRPF8 protein (p.Ala571Gly). The alanine residue is highly conserved and there is a small physicochemical difference between alanine and glycine. This variant is not present in population databases (ExAC no frequency). This missense change has been observed in individual(s) with clinical features of inherited retinal dystrophy (Invitae). Algorithms developed to predict the effect of missense changes on protein structure and function are either unavailable or do not agree on the potential impact of this missense change (SIFT: "Deleterious"; PolyPhen-2: "Benign"; Align-GVGD: "Class C0"). In summary, the available evidence is currently insufficient to determine the role of this variant in disease. Therefore, it has been classified as a Variant of Uncertain Significance.